The following is an entry in ClinVar:

ClinVar aggregate classification (germline): Uncertain significance. Review status: criteria provided, multiple submitters, no conflicts (2 of 4 stars). 2 submissions from 2 submitters: Uncertain significance (2). Last evaluated 2024-12-09.

Conditions:
Inborn genetic diseases. Identifiers: MedGen C0950123, MeSH D030342.

Allele frequency attached by ClinVar (database versions not stated): gnomAD exomes 0.00001 and 0.00002; ExAC 0.00004; gnomAD 0.00006; ESP Exome Variant Server 0.00008; TOPMed 0.00008.

Submissions (2):

Labcorp Genetics (formerly Invitae), Labcorp
Classification: Uncertain significance. Last evaluated: 2024-12-09. Review status: criteria provided, single submitter. Criteria: Invitae Variant Classification Sherloc (09022015). Collection method: clinical testing. Allele origin: germline.
Comment: This sequence change replaces histidine, which is basic and polar, with tyrosine, which is neutral and polar, at codon 307 of the C6 protein (p.His307Tyr). This variant is present in population databases (rs144532993, gnomAD 0.03%). This variant has not been reported in the literature in individuals affected with C6-related conditions. ClinVar contains an entry for this variant (Variation ID: 1381867). An algorithm developed to predict the effect of missense changes on protein structure and function outputs the following: PolyPhen-2: "Benign". The tyrosine amino acid residue is found in multiple mammalian species, which suggests that this missense change does not adversely affect protein function. In summary, the available evidence is currently insufficient to determine the role of this variant in disease. Therefore, it has been classified as a Variant of Uncertain Significance.

Ambry Genetics
Classification: Uncertain significance for Inborn genetic diseases. Last evaluated: 2021-08-09. Review status: criteria provided, single submitter. Criteria: Ambry Variant Classification Scheme 2023. Collection method: clinical testing. Allele origin: germline.

NM_000065.5(C6):c.919C>T (p.His307Tyr)

Gene: C6 (complement C6; minus strand). Cytogenetic location: 5p13.1.
Variant type: single nucleotide variant.
Coding change: c.919C>T on transcript NM_000065.5 (MANE Select); coding-DNA position 919, C replaced by T.
Protein change: p.His307Tyr; replaces histidine 307 with tyrosine.
Molecular consequence: missense variant.
Genome position (GRCh38, 1-based): chr5:41,181,367, G>A on the plus strand (C>T on the coding strand, the complement: C6 is on the minus strand). VCF-style: chr5-41181367-G-A. GRCh37 (hg19) VCF-style: chr5-41181469-G-A.
Other names: c.919C>T, p.His307Tyr (NM_001115131.4); c.919C>T (NM_000065.2); short protein forms H307Y.
Identifiers: ClinVar variation 1381867 (VCV001381867.7), dbSNP rs144532993, ClinGen allele CA3252625.